The following is an entry in ClinVar:

ClinVar aggregate classification (germline): Likely benign. Review status: criteria provided, multiple submitters, no conflicts (2 of 4 stars). 2 submissions from 2 submitters: Likely benign (2). Last evaluated 2025-06-12.

Allele frequency attached by ClinVar (database versions not stated): gnomAD 0.00001; gnomAD exomes 0.00001; TOPMed 0.00001; ExAC 0.00003.
gnomAD v4.1: 14 of 1,593,804 alleles (0.00088%); highest among the groups gnomAD compares: Middle Eastern, 0.017%; no homozygotes.

Submissions (2):

Labcorp Genetics (formerly Invitae), Labcorp
Classification: Likely benign. Last evaluated: 2025-06-12. Review status: criteria provided, single submitter. Criteria: Invitae Variant Classification Sherloc (09022015). Collection method: clinical testing. Allele origin: germline.

CeGaT Center for Human Genetics Tuebingen
Classification: Likely benign. Last evaluated: 2023-12-01. Review status: criteria provided, single submitter. Criteria: CeGaT Center For Human Genetics Tuebingen Variant Classification Criteria Version 2. Collection method: clinical testing. Allele origin: germline. Affected: yes. Observed: 1 variant allele.
Comment: ANLN: BP4, BP7

NM_018685.5(ANLN):c.795C>T (p.Gly265=)

Gene: ANLN (anillin, actin binding protein; plus strand). Cytogenetic location: 7p14.2.
Variant type: single nucleotide variant.
Coding change: c.795C>T on transcript NM_018685.5 (MANE Select); coding-DNA position 795, C replaced by T.
Protein change: p.Gly265=; no amino-acid change (glycine 265 retained).
Molecular consequence: synonymous variant.
Genome position (GRCh38, 1-based): chr7:36,406,488, C>T. VCF-style: chr7-36406488-C-T. GRCh37 (hg19) VCF-style: chr7-36446097-C-T.
Other names: c.795C>T, p.Gly265= (NM_001284301.3, NM_001284302.3).
Identifiers: ClinVar variation 3026006 (VCV003026006.23), dbSNP rs767994234, ClinGen allele CA4219413.